The following is an entry in ClinVar:

ClinVar aggregate classification (germline): Uncertain significance (1 of 4 stars; one submission).

Conditions:
PMM2-congenital disorder of glycosylation. Also called: CARBOHYDRATE-DEFICIENT GLYCOPROTEIN SYNDROME, TYPE Ia; Congenital disorder of glycosylation, type Ia; PMM2-CDG; CDG Ia; JAEKEN SYNDROME; PHOSPHOMANNOMUTASE 2 DEFICIENCY. Identifiers: Orphanet 79318, MedGen C0349653, MONDO:0008907, OMIM 212065.

Allele frequency attached by ClinVar (database versions not stated): TOPMed 0.00003.

Submission:

Labcorp Genetics (formerly Invitae), Labcorp
Classification: Uncertain significance for PMM2-congenital disorder of glycosylation. Last evaluated: 2021-09-17. Review status: criteria provided, single submitter. Criteria: Invitae Variant Classification Sherloc (09022015). Collection method: clinical testing. Allele origin: germline.
Comment: This sequence change replaces isoleucine with methionine at codon 39 of the PMM2 protein (p.Ile39Met). The isoleucine residue is weakly conserved and there is a small physicochemical difference between isoleucine and methionine. This variant is not present in population databases (ExAC no frequency). This variant has not been reported in the literature in individuals affected with PMM2-related conditions. Algorithms developed to predict the effect of missense changes on protein structure and function (SIFT, PolyPhen-2, Align-GVGD) all suggest that this variant is likely to be tolerated. In summary, the available evidence is currently insufficient to determine the role of this variant in disease. Therefore, it has been classified as a Variant of Uncertain Significance.

NM_000303.3(PMM2):c.117C>G (p.Ile39Met)

Gene: PMM2 (phosphomannomutase 2; plus strand). Cytogenetic location: 16p13.2.
Variant type: single nucleotide variant.
Coding change: c.117C>G on transcript NM_000303.3 (MANE Select); coding-DNA position 117, C replaced by G.
Protein change: p.Ile39Met; replaces isoleucine 39 with methionine.
Molecular consequence: missense variant.
Genome position (GRCh38, 1-based): chr16:8,801,849, C>G. VCF-style: chr16-8801849-C-G. GRCh37 (hg19) VCF-style: chr16-8895706-C-G.
Other names: short protein forms I39M.
Identifiers: ClinVar variation 2076533 (VCV002076533.1), dbSNP rs1432030195, ClinGen allele CA394695228.